The following is an entry in ClinVar:

ClinVar aggregate classification (germline): Uncertain significance (1 of 4 stars; one submission).

Conditions:
Brugada syndrome 8 (BRGDA8). Identifiers: Orphanet 130, MedGen C2751083, MONDO:0013148, OMIM 613123.

gnomAD v4.1: 3 of 1,613,230 alleles (0.00019%); highest among the groups gnomAD compares: Non-Finnish European, 0.00025%; no homozygotes.

Submission:

Labcorp Genetics (formerly Invitae), Labcorp
Classification: Uncertain significance for Brugada syndrome 8. Last evaluated: 2021-04-23. Review status: criteria provided, single submitter. Criteria: Invitae Variant Classification Sherloc (09022015). Collection method: clinical testing. Allele origin: germline.
Comment: In summary, the available evidence is currently insufficient to determine the role of this variant in disease. Therefore, it has been classified as a Variant of Uncertain Significance. Advanced modeling of protein sequence and biophysical properties (such as structural, functional, and spatial information, amino acid conservation, physicochemical variation, residue mobility, and thermodynamic stability) performed at Invitae indicates that this missense variant is not expected to disrupt HCN4 protein function. This variant has not been reported in the literature in individuals with HCN4-related conditions. This variant is not present in population databases (ExAC no frequency). This sequence change replaces alanine with valine at codon 707 of the HCN4 protein (p.Ala707Val). The alanine residue is highly conserved and there is a small physicochemical difference between alanine and valine.

NM_005477.3(HCN4):c.2120C>T (p.Ala707Val)

Gene: HCN4 (hyperpolarization activated cyclic nucleotide gated potassium channel 4; minus strand). Cytogenetic location: 15q24.1.
Variant type: single nucleotide variant.
Coding change: c.2120C>T on transcript NM_005477.3 (MANE Select); coding-DNA position 2120, C replaced by T.
Protein change: p.Ala707Val; replaces alanine 707 with valine.
Molecular consequence: missense variant.
Genome position (GRCh38, 1-based): chr15:73,324,112, G>A on the plus strand (C>T on the coding strand, the complement: HCN4 is on the minus strand). VCF-style: chr15-73324112-G-A. GRCh37 (hg19) VCF-style: chr15-73616453-G-A.
Other names: short protein forms A707V.
Identifiers: ClinVar variation 1390139 (VCV001390139.8), dbSNP rs2151215028, ClinGen allele CA393089887.